The following is an entry in ClinVar:

ClinVar aggregate classification (germline): Uncertain significance. Review status: criteria provided, multiple submitters, no conflicts (2 of 4 stars). 2 submissions from 2 submitters: Uncertain significance (2). Last evaluated 2025-01-31.

Conditions:
Brugada syndrome. Also called: Sudden unexpected nocturnal death syndrome; Sudden unexplained nocturnal death syndrome; Sudden Unexplained Death Syndrome; Sudden Unexplained Nocturnal Death Syndrome (SUNDS). Identifiers: Orphanet 130, MedGen C1142166, MONDO:0015263.
Cardiovascular phenotype. Identifiers: MedGen CN230736.

Allele frequency attached by ClinVar (database versions not stated): gnomAD 0.00001; gnomAD exomes 0.00001; TOPMed 0.00001.
gnomAD v4.1: 22 of 1,614,028 alleles (0.0014%); highest among the groups gnomAD compares: Non-Finnish European, 0.0018%; no homozygotes.

Submissions (2):

Ambry Genetics
Classification: Uncertain significance for Cardiovascular phenotype. Last evaluated: 2025-01-31. Review status: criteria provided, single submitter. Criteria: Ambry Variant Classification Scheme 2023. Collection method: clinical testing. Allele origin: germline.
Comment: The p.E165K variant (also known as c.493G>A), located in coding exon 4 of the GPD1L gene, results from a G to A substitution at nucleotide position 493. The glutamic acid at codon 165 is replaced by lysine, an amino acid with similar properties. This amino acid position is conserved. In addition, this alteration is predicted to be deleterious by in silico analysis. Based on the available evidence, the clinical significance of this variant remains unclear.

Labcorp Genetics (formerly Invitae), Labcorp
Classification: Uncertain significance for Brugada syndrome. Last evaluated: 2024-11-16. Review status: criteria provided, single submitter. Criteria: Invitae Variant Classification Sherloc (09022015). Collection method: clinical testing. Allele origin: germline.
Comment: This sequence change replaces glutamic acid, which is acidic and polar, with lysine, which is basic and polar, at codon 165 of the GPD1L protein (p.Glu165Lys). This variant is present in population databases (no rsID available, gnomAD 0.007%). This variant has not been reported in the literature in individuals affected with GPD1L-related conditions. ClinVar contains an entry for this variant (Variation ID: 2193222). Invitae Evidence Modeling of protein sequence and biophysical properties (such as structural, functional, and spatial information, amino acid conservation, physicochemical variation, residue mobility, and thermodynamic stability) indicates that this missense variant is expected to disrupt GPD1L protein function with a positive predictive value of 80%. In summary, the available evidence is currently insufficient to determine the role of this variant in disease. Therefore, it has been classified as a Variant of Uncertain Significance.

NM_015141.4(GPD1L):c.493G>A (p.Glu165Lys)

Gene: GPD1L (glycerol-3-phosphate dehydrogenase 1 like; plus strand). Cytogenetic location: 3p22.3.
Variant type: single nucleotide variant.
Coding change: c.493G>A on transcript NM_015141.4 (MANE Select); coding-DNA position 493, G replaced by A.
Protein change: p.Glu165Lys; replaces glutamic acid 165 with lysine.
Molecular consequence: missense variant.
Genome position (GRCh38, 1-based): chr3:32,140,354, G>A. VCF-style: chr3-32140354-G-A. GRCh37 (hg19) VCF-style: chr3-32181846-G-A.
Other names: short protein forms E165K.
Identifiers: ClinVar variation 2193222 (VCV002193222.5), dbSNP rs1391064289, ClinGen allele CA351974939.